The following is an entry in ClinVar:

ClinVar aggregate classification (germline): Likely benign. Review status: criteria provided, multiple submitters, no conflicts (2 of 4 stars). 2 submissions from 2 submitters: Likely benign (2). Last evaluated 2025-04-01.

Conditions:
Landau-Kleffner syndrome (FESD). Also called: EPILEPSY, FOCAL, WITH SPEECH DISORDER AND WITH OR WITHOUT MENTAL RETARDATION; APHASIA, ACQUIRED, WITH EPILEPSY. Identifiers: Orphanet 1945, Orphanet 725, Orphanet 98818, MedGen C0282512, MONDO:0009509, OMIM 245570.

Allele frequency attached by ClinVar (database versions not stated): ExAC 0.00001; gnomAD exomes 0.00001.
gnomAD v4.1: 5 of 1,614,100 alleles (0.00031%); highest among the groups gnomAD compares: Non-Finnish European, 0.00042%; no homozygotes.

Submissions (2):

CeGaT Center for Human Genetics Tuebingen
Classification: Likely benign. Last evaluated: 2025-04-01. Review status: criteria provided, single submitter. Criteria: CeGaT Center For Human Genetics Tuebingen Variant Classification Criteria Version 2. Collection method: clinical testing. Allele origin: germline. Affected: yes. Observed: 1 variant allele.
Comment: GRIN2A: BP4, BP7

Labcorp Genetics (formerly Invitae), Labcorp
Classification: Likely benign for Landau-Kleffner syndrome. Last evaluated: 2023-05-22. Review status: criteria provided, single submitter. Criteria: Invitae Variant Classification Sherloc (09022015). Collection method: clinical testing. Allele origin: germline.

NM_001134407.3(GRIN2A):c.360C>T (p.Thr120=)

Gene: GRIN2A (glutamate ionotropic receptor NMDA type subunit 2A; minus strand). Cytogenetic location: 16p13.2.
Variant type: single nucleotide variant.
Coding change: c.360C>T on transcript NM_001134407.3 (MANE Select); coding-DNA position 360, C replaced by T.
Protein change: p.Thr120=; no amino-acid change (threonine 120 retained).
Molecular consequence: synonymous variant.
Genome position (GRCh38, 1-based): chr16:10,180,052, G>A on the plus strand (C>T on the coding strand, the complement: GRIN2A is on the minus strand). VCF-style: chr16-10180052-G-A. GRCh37 (hg19) VCF-style: chr16-10273909-G-A.
Other names: c.360C>T, p.Thr120= (NM_000833.5, NM_001134408.2).
Identifiers: ClinVar variation 2039334 (VCV002039334.11), dbSNP rs761297862, ClinGen allele CA7897000.